The following is an entry in ClinVar:

NM_017777.4(MKS1):c.262-99A>T

Gene: MKS1 (MKS transition zone complex subunit 1; minus strand). Cytogenetic location: 17q22.
Variant type: single nucleotide variant.
Coding change: c.262-99A>T on transcript NM_017777.4 (MANE Select); 99 bases into the intron before coding-DNA position 262, A replaced by T.
Molecular consequence: intron variant.
Genome position (GRCh38, 1-based): chr17:58,216,342, T>A on the plus strand (A>T on the coding strand, the complement: MKS1 is on the minus strand). VCF-style: chr17-58216342-T-A. GRCh37 (hg19) VCF-style: chr17-56293703-T-A.
Other names: c.-250-99A>T (NM_001321268.2); c.262-99A>T (NM_001330397.2, NM_001321269.2, NM_001411113.1).
Identifiers: ClinVar variation 4986547 (VCV004986547.1).

ClinVar aggregate classification (germline): Likely benign (1 of 4 stars; one submission).

Conditions:
MKS1-related disorder. Also called: MKS1-related disorders; MKS1-related condition. Identifiers: MedGen CN239382.

Submission:

PreventionGenetics, part of Exact Sciences
Classification: Likely benign for MKS1-related condition. Last evaluated: 2024-10-10. Review status: criteria provided, single submitter. Criteria: ACMG Guidelines, 2015. Collection method: clinical testing. Allele origin: germline.
Comment: This variant is classified as likely benign based on ACMG/AMP sequence variant interpretation guidelines (Richards et al. 2015 PMID: 25741868, with internal and published modifications).